The following is an entry in ClinVar:

ClinVar aggregate classification (germline): Uncertain significance (1 of 4 stars; one submission).

Conditions:
Schuurs-Hoeijmakers syndrome. Also called: PACS1-Related Neurodevelopmental Disorder. Identifiers: Orphanet 329224, MedGen C3554343, MONDO:0014006, OMIM 615009.

Allele frequency attached by ClinVar (database versions not stated): gnomAD 0.00001.
gnomAD v4.1: 9 of 1,614,086 alleles (0.00056%); highest among the groups gnomAD compares: Non-Finnish European, 0.00076%; no homozygotes.

Submission:

Labcorp Genetics (formerly Invitae), Labcorp
Classification: Uncertain significance for Schuurs-Hoeijmakers syndrome. Last evaluated: 2023-09-22. Review status: criteria provided, single submitter. Criteria: Invitae Variant Classification Sherloc (09022015). Collection method: clinical testing. Allele origin: germline.
Comment: An algorithm developed to predict the effect of missense changes on protein structure and function (PolyPhen-2) suggests that this variant is likely to be tolerated. ClinVar contains an entry for this variant (Variation ID: 2192280). This variant has not been reported in the literature in individuals affected with PACS1-related conditions. This variant is not present in population databases (gnomAD no frequency). This sequence change replaces glutamine, which is neutral and polar, with histidine, which is basic and polar, at codon 408 of the PACS1 protein (p.Gln408His). In summary, the available evidence is currently insufficient to determine the role of this variant in disease. Therefore, it has been classified as a Variant of Uncertain Significance.

NM_018026.4(PACS1):c.1224G>C (p.Gln408His)

Gene: PACS1 (phosphofurin acidic cluster sorting protein 1; plus strand). Cytogenetic location: 11q13.2.
Variant type: single nucleotide variant.
Coding change: c.1224G>C on transcript NM_018026.4 (MANE Select); coding-DNA position 1224, G replaced by C.
Protein change: p.Gln408His; replaces glutamine 408 with histidine.
Molecular consequence: missense variant.
Genome position (GRCh38, 1-based): chr11:66,221,178, G>C. VCF-style: chr11-66221178-G-C. GRCh37 (hg19) VCF-style: chr11-65988649-G-C.
Other names: short protein forms Q408H.
Identifiers: ClinVar variation 2192280 (VCV002192280.4), dbSNP rs774951789, ClinGen allele CA381359644.
Genomic context (GRCh38, chr11:66,221,178, plus strand): 5'-TGGCAGCACTGACCCTGGCTGTGCTCTTCACCACAGGCCTTTCTTTGAGGGGATGTCGCA[G>C]TCCAGCTCCCAGACGGAGATTGGCAGCCTCAACAGCAAAGGCAGCCTCGGAAAAGACACC-3'
Protein context (NP_060496.2, residues 398-418): KLKPFFEGMS[Gln408His]SSSQTEIGSL